The following is an entry in ClinVar:

ClinVar aggregate classification (germline): Uncertain significance (1 of 4 stars; one submission).

gnomAD v4.1: 3 of 1,179,139 alleles (0.00025%); highest among the groups gnomAD compares: East Asian, 0.003%; no homozygotes.

Submission:

Labcorp Genetics (formerly Invitae), Labcorp
Classification: Uncertain significance. Last evaluated: 2024-08-02. Review status: criteria provided, single submitter. Criteria: Invitae Variant Classification Sherloc (09022015). Collection method: clinical testing. Allele origin: germline.
Comment: This sequence change falls in intron 39 of the COL4A5 gene. It does not directly change the encoded amino acid sequence of the COL4A5 protein. It affects a nucleotide within the consensus splice site. This variant is not present in population databases (gnomAD no frequency). This variant has not been reported in the literature in individuals affected with COL4A5-related conditions. Variants that disrupt the consensus splice site are a relatively common cause of aberrant splicing (PMID: 17576681, 9536098). Algorithms developed to predict the effect of sequence changes on RNA splicing suggest that this variant is not likely to affect RNA splicing. In summary, the available evidence is currently insufficient to determine the role of this variant in disease. Therefore, it has been classified as a Variant of Uncertain Significance.

Literature cited by the submitters: PubMed 17576681; PubMed 9536098.

NM_033380.3(COL4A5):c.3553+6G>A

Gene: COL4A5 (collagen type IV alpha 5 chain; plus strand). Cytogenetic location: Xq22.3.
Variant type: single nucleotide variant.
Coding change: c.3553+6G>A on transcript NM_033380.3 (MANE Select); 6 bases into the intron after coding-DNA position 3553, G replaced by A.
Molecular consequence: intron variant.
Genome position (GRCh38, 1-based): chrX:108,666,600, G>A. VCF-style: chrX-108666600-G-A. GRCh37 (hg19) VCF-style: chrX-107909830-G-A.
Other names: c.3553+6G>A (NM_000495.5).
Identifiers: ClinVar variation 3683064 (VCV003683064.2).